The following is an entry in ClinVar:

ClinVar aggregate classification (germline): Pathogenic (1 of 4 stars; one submission).

Conditions:
Hereditary cancer-predisposing syndrome. Also called: Hereditary Cancer Syndrome; Neoplastic Syndromes, Hereditary; Hereditary neoplastic syndrome; Tumor predisposition. Identifiers: Orphanet 140162, MedGen C0027672, MeSH D009386, MONDO:0015356.

Submission:

Ambry Genetics
Classification: Pathogenic for Hereditary cancer-predisposing syndrome. Last evaluated: 2016-03-12. Review status: criteria provided, single submitter. Criteria: Ambry Autosomal Dominant and X-Linked criteria (10/2015). Collection method: clinical testing. Allele origin: germline. Observed: 1 variant allele.
Comment: The c.1961delC pathogenic mutation, located in coding exon 17 of the NF1 gene, results from a deletion of one nucleotide at nucleotide position 1961, causing a translational frameshift with a predicted alternate stop codon. Since frameshifts are typically deleterious in nature, this alteration is interpreted as a disease-causing mutation (ACMG Recommendations for Standards for Interpretation and Reporting of Sequence Variations. Revision 2007. Genet Med. 2008;10:294).

NM_001042492.3(NF1):c.1961del (p.Pro654fs)

Gene: NF1 (neurofibromin 1; plus strand). Cytogenetic location: 17q11.2.
Variant type: Deletion.
Coding change: c.1961del on transcript NM_001042492.3 (MANE Select); coding-DNA position 1961, one base deleted (C; older notation c.1961delC).
Protein change: p.Pro654fs; shifts the reading frame from proline 654.
Molecular consequence: frameshift variant.
Genome position (GRCh38, 1-based): chr17:31,225,210, C deleted; the last of 2 consecutive C bases (chr17:31,225,209-31,225,210); deleting either gives the same sequence. VCF-style (leftmost placement, unchanged base first): chr17-31225208-TC-T. GRCh37 (hg19) VCF-style: chr17-29552226-TC-T.
Other names: c.1961delC, p.Pro654Leufs (NM_000267.4); short protein forms P654fs.
Identifiers: ClinVar variation 428988 (VCV000428988.3), dbSNP rs1131691108, ClinGen allele CA645369659.
Genomic context (GRCh38, chr17:31,225,208, plus strand): 5'-TATTCCTTCTAGTGGAAATACCAGTCAAATGTCCATGGATCATGAAGAATTACTACGTAC[TC>T]CTGGAGCCTCTCTCCGGAAGGGAAAAGGGAACTCCTCTATGGTCAGCTTCTTCTGTACTT-3'